The following is an entry in ClinVar:

ClinVar aggregate classification (germline): Benign/Likely benign. Review status: criteria provided, multiple submitters, no conflicts (2 of 4 stars). 5 submissions from 5 submitters: Benign (3); Likely benign (2). Last evaluated 2025-12-10.

Conditions:
Spinocerebellar ataxia type 5 (SCA5). Identifiers: Orphanet 98766, MedGen C0752123, MONDO:0010848, OMIM 600224.

Allele frequency attached by ClinVar (database versions not stated): gnomAD exomes 0.00091 and 0.00249; ExAC 0.00301; gnomAD 0.00888 and 0.00956; ESP Exome Variant Server 0.01016; 1000 Genomes Project 0.01078; 1000 Genomes Project 30x 0.01109; TOPMed 0.01117.
gnomAD v4.1: 2,737 of 1,613,864 alleles (0.17%); highest among the groups gnomAD compares: African/African-American, 3.1%; 43 homozygotes.

Submissions (5):

Labcorp Genetics (formerly Invitae), Labcorp
Classification: Benign. Last evaluated: 2025-12-10. Review status: criteria provided, single submitter. Criteria: Invitae Variant Classification Sherloc (09022015). Collection method: clinical testing. Allele origin: germline.

Mayo Clinic Laboratories, Mayo Clinic
Classification: Benign. Last evaluated: 2025-03-25. Review status: criteria provided, single submitter. Criteria: ACMG Guidelines, 2015. Collection method: clinical testing. Allele origin: germline. Observed: 2 variant alleles.
Comment: BS1, BS2, BP4, BP7

GeneDx
Classification: Likely benign. Last evaluated: 2021-09-18. Review status: criteria provided, single submitter. Criteria: GeneDx Variant Classification Process June 2021. Collection method: clinical testing. Allele origin: germline. Affected: yes.
Comment: See Variant Classification Assertion Criteria.

Athena Diagnostics
Classification: Benign for Spinocerebellar ataxia type 5. Last evaluated: 2017-06-29. Review status: criteria provided, single submitter. Criteria: Athena Diagnostics Criteria. Collection method: clinical testing. Allele origin: germline.

Breakthrough Genomics
Classification: Likely benign. Review status: criteria provided, single submitter. Criteria: ACMG Guidelines, 2015. Collection method: not provided. Allele origin: germline. Inheritance: Autosomal recessive inheritance. Affected: yes.

NM_006946.4(SPTBN2):c.285C>T (p.Leu95=)

Gene: SPTBN2 (spectrin beta, non-erythrocytic 2; minus strand). Cytogenetic location: 11q13.2.
Variant type: single nucleotide variant.
Coding change: c.285C>T on transcript NM_006946.4 (MANE Select); coding-DNA position 285, C replaced by T.
Protein change: p.Leu95=; no amino-acid change (leucine 95 retained).
Molecular consequence: synonymous variant.
Genome position (GRCh38, 1-based): chr11:66,715,854, G>A on the plus strand (C>T on the coding strand, the complement: SPTBN2 is on the minus strand). VCF-style: chr11-66715854-G-A. GRCh37 (hg19) VCF-style: chr11-66483325-G-A.
Other names: p.Leu95=; c.285C>T (NM_006946.3).
Identifiers: ClinVar variation 305599 (VCV000305599.16), dbSNP rs34117933, ClinGen allele CA6129716.